The following is an entry in ClinVar:

ClinVar aggregate classification (germline): Uncertain significance (1 of 4 stars; one submission).

Conditions:
Hereditary cancer-predisposing syndrome. Also called: Tumor predisposition; Hereditary Cancer Syndrome; Hereditary neoplastic syndrome; Neoplastic Syndromes, Hereditary. Identifiers: Orphanet 140162, MedGen C0027672, MeSH D009386, MONDO:0015356.

Submission:

Ambry Genetics
Classification: Uncertain significance for Hereditary cancer-predisposing syndrome. Last evaluated: 2025-09-30. Review status: criteria provided, single submitter. Criteria: Ambry Variant Classification Scheme 2023. Collection method: clinical testing. Allele origin: germline.
Comment: The c.-2C>T variant is located in the 5' untranslated region (5&rsquo; UTR) of the BRIP1 gene. This variant results from a C to T substitution 2 bases upstream from the first translated codon. This nucleotide position is not well conserved in available vertebrate species. Since supporting evidence is limited at this time, the clinical significance of this alteration remains unclear.

NM_032043.3(BRIP1):c.-2C>T

Gene: BRIP1 (BRCA1 interacting DNA helicase 1; minus strand). Cytogenetic location: 17q23.2.
Variant type: single nucleotide variant.
Coding change: c.-2C>T on transcript NM_032043.3 (MANE Select); 2 bases upstream of the start codon, C replaced by T.
Molecular consequence: 5 prime UTR variant.
Genome position (GRCh38, 1-based): chr17:61,861,541, G>A on the plus strand (C>T on the coding strand, the complement: BRIP1 is on the minus strand). VCF-style: chr17-61861541-G-A. GRCh37 (hg19) VCF-style: chr17-59938902-G-A.
Identifiers: ClinVar variation 2626370 (VCV002626370.3), dbSNP rs2078973923, ClinGen allele CA2576345297.